The following is an entry in ClinVar:

ClinVar aggregate classification (germline): Uncertain significance (1 of 4 stars; one submission).

Allele frequency attached by ClinVar (database versions not stated): gnomAD exomes below 0.00001 and 0.00001; gnomAD 0.00001.
gnomAD v4.1: 3 of 1,207,930 alleles (0.00025%); highest among the groups gnomAD compares: Non-Finnish European, 0.00011%; no homozygotes.

Submission:

GeneDx
Classification: Uncertain significance. Last evaluated: 2024-12-03. Review status: criteria provided, single submitter. Criteria: GeneDx Variant Classification Process June 2021. Collection method: clinical testing. Allele origin: germline. Affected: yes.
Comment: In silico analysis supports that this missense variant has a deleterious effect on protein structure/function; Has not been previously published as pathogenic or benign to our knowledge

NM_001291867.2(NHS):c.791C>T (p.Pro264Leu)

Gene: NHS (NHS actin remodeling regulator; plus strand). Cytogenetic location: Xp22.13.
Variant type: single nucleotide variant.
Coding change: c.791C>T on transcript NM_001291867.2 (MANE Select); coding-DNA position 791, C replaced by T.
Protein change: p.Pro264Leu; replaces proline 264 with leucine.
Molecular consequence: missense variant.
Genome position (GRCh38, 1-based): chrX:17,692,407, C>T. VCF-style: chrX-17692407-C-T. GRCh37 (hg19) VCF-style: chrX-17710527-C-T.
Other names: c.260C>T, p.Pro87Leu (NM_001136024.4, NM_001291868.2); c.791C>T, p.Pro264Leu (NM_198270.4); short protein forms P264L, P87L.
Identifiers: ClinVar variation 1305635 (VCV001305635.3), dbSNP rs1333052372, ClinGen allele CA412327175.